The following is an entry in ClinVar:

ClinVar aggregate classification (germline): Uncertain significance (1 of 4 stars; one submission).

Conditions:
Facioscapulohumeral muscular dystrophy 2 (FSHD2). Also called: FACIOSCAPULOHUMERAL MUSCULAR DYSTROPHY 2, DIGENIC; FSHD2, DIGENIC; MUSCULAR DYSTROPHY, FACIOSCAPULOHUMERAL, TYPE 1B. Identifiers: Orphanet 269, MedGen C1834671, MONDO:0008031, OMIM 158901.

Allele frequency attached by ClinVar (database versions not stated): ExAC 0.00001; gnomAD exomes 0.00001; ESP Exome Variant Server 0.00008.
gnomAD v4.1: 12 of 1,602,842 alleles (0.00075%); highest among the groups gnomAD compares: Non-Finnish European, 0.001%; no homozygotes.

Submission:

Labcorp Genetics (formerly Invitae), Labcorp
Classification: Uncertain significance for Facioscapulohumeral muscular dystrophy 2. Last evaluated: 2025-10-14. Review status: criteria provided, single submitter. Criteria: Invitae Variant Classification Sherloc (09022015). Collection method: clinical testing. Allele origin: germline.
Comment: This sequence change replaces alanine, which is neutral and non-polar, with serine, which is neutral and polar, at codon 1539 of the SMCHD1 protein (p.Ala1539Ser). This variant is present in population databases (rs372853279, gnomAD 0.002%). This variant has not been reported in the literature in individuals affected with SMCHD1-related conditions. ClinVar contains an entry for this variant (Variation ID: 1415092). Invitae Evidence Modeling of protein sequence and biophysical properties (such as structural, functional, and spatial information, amino acid conservation, physicochemical variation, residue mobility, and thermodynamic stability) indicates that this missense variant is not expected to disrupt SMCHD1 protein function with a negative predictive value of 80%. In summary, the available evidence is currently insufficient to determine the role of this variant in disease. Therefore, it has been classified as a Variant of Uncertain Significance.

NM_015295.3(SMCHD1):c.4615G>T (p.Ala1539Ser)

Gene: SMCHD1 (structural maintenance of chromosomes flexible hinge domain containing 1; plus strand). Cytogenetic location: 18p11.32.
Variant type: single nucleotide variant.
Coding change: c.4615G>T on transcript NM_015295.3 (MANE Select); coding-DNA position 4615, G replaced by T.
Protein change: p.Ala1539Ser; replaces alanine 1539 with serine.
Molecular consequence: missense variant.
Genome position (GRCh38, 1-based): chr18:2,763,685, G>T. VCF-style: chr18-2763685-G-T. GRCh37 (hg19) VCF-style: chr18-2763683-G-T.
Other names: short protein forms A1539S.
Identifiers: ClinVar variation 1415092 (VCV001415092.8), dbSNP rs372853279, ClinGen allele CA8871534.